The following is an entry in ClinVar:

ClinVar aggregate classification (germline): Conflicting classifications of pathogenicity. Review status: criteria provided, conflicting classifications (1 of 4 stars). 3 submissions from 3 submitters: Likely pathogenic (1); Uncertain significance (1). 1 of the submissions does not count toward it. Last evaluated 2025-01-16.

Conditions:
Propionic acidemia (PROP). Also called: GLYCINEMIA, KETOTIC; HYPERGLYCINEMIA WITH KETOACIDOSIS AND LEUKOPENIA; KETOTIC HYPERGLYCINEMIA. Identifiers: Orphanet 35, MedGen C0268579, MONDO:0011628, OMIM 606054, HP:0003571.

Allele frequency attached by ClinVar (database versions not stated): TOPMed 0.00001.
gnomAD v4.1: 2 of 1,612,984 alleles (0.00012%); highest among the groups gnomAD compares: Non-Finnish European, 0.000085%; no homozygotes.

Submissions (3):

Natera, Inc.
Classification: Likely pathogenic for Propionic acidemia. Last evaluated: 2025-01-16. Review status: criteria provided, single submitter. Criteria: Natera Variant Classification Schema (03/2026). Collection method: clinical testing. Allele origin: germline.
Comment: The c.617A>G variant in PCCB is a missense variant predicted to cause substitution of tyrosine to cysteine at amino acid 206. This variant is rare in the general population with a frequency below the threshold expected for the associated phenotype(s). This variant has been observed in one or more individuals affected with the associated recessive disease, as either homozygous or compound heterozygous with a second variant (PMID: 26830710). Functional studies show that this variant may disrupt protein function (PMID: 26830710). Computational prediction algorithms indicate this variant is likely to affect gene or protein function. Given the available evidence, this variant is classified as Likely Pathogenic.

Eurofins Ntd Llc (ga)
Classification: Uncertain significance. Last evaluated: 2016-08-26. Review status: criteria provided, single submitter. Criteria: EGL Classification Definitions 2015. Collection method: clinical testing. Allele origin: germline. Observed: 1 variant allele, 1 heterozygote.

Counsyl
Classification: Uncertain significance for Propionic acidemia. Last evaluated: 2017-11-14. Review status: no assertion criteria provided. Collection method: clinical testing. Allele origin: unknown. Not counted in ClinVar's aggregate classification.

Literature cited by the submitters: PubMed 26830710 (cited by 3 submitters).

NM_000532.5(PCCB):c.617A>G (p.Tyr206Cys)

Gene: PCCB (propionyl-CoA carboxylase subunit beta; plus strand). Cytogenetic location: 3q22.3.
Variant type: single nucleotide variant.
Coding change: c.617A>G on transcript NM_000532.5 (MANE Select); coding-DNA position 617, A replaced by G.
Protein change: p.Tyr206Cys; replaces tyrosine 206 with cysteine.
Molecular consequence: missense variant.
Genome position (GRCh38, 1-based): chr3:136,283,910, A>G. VCF-style: chr3-136283910-A-G. GRCh37 (hg19) VCF-style: chr3-136002752-A-G.
Other names: c.677A>G, p.Tyr226Cys (NM_001178014.2); short protein forms Y206C, Y226C.
Identifiers: ClinVar variation 289718 (VCV000289718.7), dbSNP rs779033674, ClinGen allele CA10606526.